The following is an entry in ClinVar:

NM_015030.2(FRYL):c.2846+1G>A

Gene: FRYL (FRY like transcription coactivator; minus strand). Cytogenetic location: 4p11.
Variant type: single nucleotide variant.
Coding change: c.2846+1G>A on transcript NM_015030.2 (MANE Select); the canonical splice donor site of the intron after coding-DNA position 2846, G replaced by A.
Molecular consequence: splice donor variant.
Genome position (GRCh38, 1-based): chr4:48,575,116, C>T on the plus strand (G>A on the coding strand, the complement: FRYL is on the minus strand). VCF-style: chr4-48575116-C-T. GRCh37 (hg19) VCF-style: chr4-48577133-C-T.
Identifiers: ClinVar variation 4891471 (VCV004891471.1).

ClinVar aggregate classification (germline): Uncertain significance (1 of 4 stars; one submission).

Submission:

GeneDx
Classification: Uncertain significance. Last evaluated: 2026-01-28. Review status: criteria provided, single submitter. Criteria: GeneDx Variant Classification Process June 2021. Collection method: clinical testing. Allele origin: germline.
Comment: Canonical splice site variant predicted to result in a null allele in a gene for which loss of function is a known mechanism of disease; Has not been previously published as pathogenic or benign to our knowledge